The following is an entry in ClinVar:

ClinVar aggregate classification (germline): Uncertain significance. Review status: criteria provided, single submitter (1 of 4 stars). 2 submissions from 2 submitters: Uncertain significance (1). 1 of the submissions does not count toward it. Last evaluated 2025-10-21.

Conditions:
SEMA3G-related disorder. Also called: SEMA3G-related condition.

gnomAD v4.1: 187 of 1,611,634 alleles (0.012%); highest among the groups gnomAD compares: Middle Eastern, 0.05%; 2 homozygotes.

Submissions (2):

Ambry Genetics
Classification: Uncertain significance. Last evaluated: 2025-10-21. Review status: criteria provided, single submitter. Criteria: Ambry Variant Classification Scheme 2023. Collection method: clinical testing. Allele origin: germline.

PreventionGenetics, part of Exact Sciences
Classification: Uncertain significance for SEMA3G-related condition. Last evaluated: 2024-07-09. Review status: no assertion criteria provided. Collection method: clinical testing. Allele origin: germline. Not counted in ClinVar's aggregate classification.
Comment: The SEMA3G c.1210G>C variant is predicted to result in the amino acid substitution p.Val404Leu. To our knowledge, this variant has not been reported in the literature. This variant is reported in 0.052% of alleles in individuals of South Asian descent in gnomAD, which may be too common to be an unreported cause of disease. Although we suspect that this variant may be benign, at this time, the clinical significance of this variant is uncertain due to the absence of conclusive functional and genetic evidence.

NM_020163.3(SEMA3G):c.1210G>C (p.Val404Leu)

Gene: SEMA3G (semaphorin 3G; minus strand). Cytogenetic location: 3p21.1.
Variant type: single nucleotide variant.
Coding change: c.1210G>C on transcript NM_020163.3 (MANE Select); coding-DNA position 1210, G replaced by C.
Protein change: p.Val404Leu; replaces valine 404 with leucine.
Molecular consequence: missense variant.
Genome position (GRCh38, 1-based): chr3:52,440,032, C>G on the plus strand (G>C on the coding strand, the complement: SEMA3G is on the minus strand). VCF-style: chr3-52440032-C-G. GRCh37 (hg19) VCF-style: chr3-52474048-C-G.
Other names: c.1210G>C (NM_020163.1); short protein forms V404L.
Identifiers: ClinVar variation 3351722 (VCV003351722.2).